The following is an entry in ClinVar:

NM_000352.6(ABCC8):c.693del (p.Trp231fs)

Gene: ABCC8 (ATP binding cassette subfamily C member 8; minus strand). Cytogenetic location: 11p15.1.
Variant type: Deletion.
Coding change: c.693del on transcript NM_000352.6 (MANE Select); coding-DNA position 693, one base deleted (G; older notation c.693delG).
Protein change: p.Trp231fs; shifts the reading frame from tryptophan 231.
Molecular consequence: frameshift variant. On other transcripts: non-coding transcript variant (1).
Genome position (GRCh38, 1-based): chr11:17,461,712, C deleted on the plus strand (G on the coding strand, the reverse complement: ABCC8 is on the minus strand); the first of 2 consecutive C bases (chr11:17,461,712-17,461,713); deleting either gives the same sequence. VCF-style (leftmost placement, unchanged base first): chr11-17461711-AC-A. GRCh37 (hg19) VCF-style: chr11-17483258-AC-A.
Other names: c.693del, p.Trp231fs (NM_001287174.3, NM_001351295.2, NM_001351296.2 and 1 more transcripts); short protein forms W231fs.
Identifiers: ClinVar variation 5016145 (VCV005016145.1).

ClinVar aggregate classification (germline): Pathogenic (1 of 4 stars; one submission).

Conditions:
Hyperinsulinemic hypoglycemia, familial, 1 (HHF1). Also called: HYPERINSULINISM, FAMILIAL, WITH PANCREATIC NESIDIOBLASTOSIS; HYPOGLYCEMIA, HYPERINSULINEMIC, OF INFANCY; NESIDIOBLASTOSIS OF PANCREAS; Persistent Hyperinsulinemia Hypoglycemia of Infancy; Persistent hyperinsulinemic hypoglycemia of infancy. Identifiers: Orphanet 276575, Orphanet 276598, MedGen C2931832, MONDO:0009734, OMIM 256450.

Submission:

Myriad Genetics, Inc.
Classification: Pathogenic for Hyperinsulinemic hypoglycemia, familial, 1. Last evaluated: 2026-07-18. Review status: criteria provided, single submitter. Criteria: Myriad Autosomal Dominant, Autosomal Recessive and X-Linked Classification Criteria (2023). Collection method: clinical testing. Allele origin: unknown.
Comment: NM_000352.3(ABCC8):c.693delG(W231Cfs*3) is expected to be pathogenic in the context of familial hyperinsulinism, ABCC8-related. This variant is predicted to lead to an abnormal or absent protein product due to the creation of a premature termination codon in ABCC8, a gene where loss-of-function variants are known to be pathogenic. Please note: this variant was assessed in the context of healthy population screening.